The following is an entry in ClinVar:

NM_018136.5(ASPM):c.1048C>T (p.Pro350Ser)

Gene: ASPM (assembly factor for spindle microtubules; minus strand). Cytogenetic location: 1q31.3.
Variant type: single nucleotide variant.
Coding change: c.1048C>T on transcript NM_018136.5 (MANE Select); coding-DNA position 1048, C replaced by T.
Protein change: p.Pro350Ser; replaces proline 350 with serine.
Molecular consequence: missense variant.
Genome position (GRCh38, 1-based): chr1:197,143,204, G>A on the plus strand (C>T on the coding strand, the complement: ASPM is on the minus strand). VCF-style: chr1-197143204-G-A. GRCh37 (hg19) VCF-style: chr1-197112334-G-A.
Other names: c.1048C>T, p.Pro350Ser (NM_001206846.2); short protein forms P350S.
Identifiers: ClinVar variation 1522875 (VCV001522875.6), dbSNP rs2125114330, ClinGen allele CA344017783.

ClinVar aggregate classification (germline): Uncertain significance (1 of 4 stars; one submission).

gnomAD v4.1: 1 of 1,613,390 alleles (0.000062%); highest among the groups gnomAD compares: Non-Finnish European, 0.000085%; no homozygotes.

Submission:

Labcorp Genetics (formerly Invitae), Labcorp
Classification: Uncertain significance. Last evaluated: 2021-10-05. Review status: criteria provided, single submitter. Criteria: Invitae Variant Classification Sherloc (09022015). Collection method: clinical testing. Allele origin: germline.
Comment: This sequence change replaces proline with serine at codon 350 of the ASPM protein (p.Pro350Ser). The proline residue is weakly conserved and there is a moderate physicochemical difference between proline and serine. In summary, the available evidence is currently insufficient to determine the role of this variant in disease. Therefore, it has been classified as a Variant of Uncertain Significance. Algorithms developed to predict the effect of missense changes on protein structure and function output the following: SIFT: "Tolerated"; PolyPhen-2: "Benign"; Align-GVGD: "Class C0". The serine amino acid residue is found in multiple mammalian species, which suggests that this missense change does not adversely affect protein function. This variant has not been reported in the literature in individuals affected with ASPM-related conditions. This variant is not present in population databases (ExAC no frequency).